The following is an entry in ClinVar:

NM_000138.5(FBN1):c.5978del (p.Asp1993fs)

Gene: FBN1 (fibrillin 1; minus strand). Cytogenetic location: 15q21.1.
Variant type: Deletion.
Coding change: c.5978del on transcript NM_000138.5 (MANE Select); coding-DNA position 5978, one base deleted (A; older notation c.5978delA).
Protein change: p.Asp1993fs; shifts the reading frame from aspartic acid 1993.
Molecular consequence: frameshift variant.
Genome position (GRCh38, 1-based): chr15:48,444,600, T deleted on the plus strand (A on the coding strand, the reverse complement: FBN1 is on the minus strand). VCF-style (leftmost placement, unchanged base first): chr15-48444599-AT-A. GRCh37 (hg19) VCF-style: chr15-48736796-AT-A.
Other names: short protein forms D1993fs.
Identifiers: ClinVar variation 950171 (VCV000950171.7), dbSNP rs2043139896, ClinGen allele CA1139663959.

ClinVar aggregate classification (germline): Pathogenic (1 of 4 stars; one submission).

Conditions:
Familial thoracic aortic aneurysm and aortic dissection (TAAD). Also called: Thoracic aortic aneurysms and dissections. Identifiers: Orphanet 91387, MedGen C4707243, MONDO:0019625.
Marfan syndrome (MFS). Also called: Marfan syndrome, classic; Marfan syndrome type 1; Marfan's syndrome; FBN1-Related Marfan Syndrome; MARFAN SYNDROME, TYPE I. Identifiers: Orphanet 284963, Orphanet 558, MedGen C0024796, MONDO:0007947, OMIM 154700.

Submission:

Labcorp Genetics (formerly Invitae), Labcorp
Classification: Pathogenic for Marfan syndrome; Familial thoracic aortic aneurysm and aortic dissection. Last evaluated: 2019-07-17. Review status: criteria provided, single submitter. Criteria: Invitae Variant Classification Sherloc (09022015). Collection method: clinical testing. Allele origin: germline.
Comment: This sequence change creates a premature translational stop signal (p.Asp1993Valfs*66) in the FBN1 gene. It is expected to result in an absent or disrupted protein product. Algorithms developed to predict the effect of sequence changes on RNA splicing suggest that this variant may create or strengthen a splice site, but this prediction has not been confirmed by published transcriptional studies. Loss-of-function variants in FBN1 are known to be pathogenic (PMID: 17657824, 19293843). For these reasons, this variant has been classified as Pathogenic. This variant has not been reported in the literature in individuals with FBN1-related conditions. This variant is not present in population databases (ExAC no frequency).

Literature cited by the submitters: PubMed 17657824; PubMed 19293843.